The following is an entry in ClinVar:

NM_001366385.1(CARD14):c.1846G>A (p.Val616Met)

Gene: CARD14 (caspase recruitment domain family member 14; plus strand). Cytogenetic location: 17q25.3.
Variant type: single nucleotide variant.
Coding change: c.1846G>A on transcript NM_001366385.1 (MANE Select); coding-DNA position 1846, G replaced by A.
Protein change: p.Val616Met; replaces valine 616 with methionine.
Molecular consequence: missense variant. On other transcripts: non-coding transcript variant (1).
Genome position (GRCh38, 1-based): chr17:80,198,586, G>A. VCF-style: chr17-80198586-G-A. GRCh37 (hg19) VCF-style: chr17-78172385-G-A.
Other names: c.1846G>A, p.Val616Met (NM_001257970.1, NM_024110.4); c.1135G>A, p.Val379Met (NM_052819.3); short protein forms V616M, V379M.
Identifiers: ClinVar variation 2061090 (VCV002061090.4), dbSNP rs781352237, ClinGen allele CA8817016.
Genomic context (GRCh38, chr17:80,198,586, plus strand): 5'-CACCGGGTCACCCCGGGCTCGGCGGCGGACCAGATGGCCTTGCGCCCGGGCACCCAGATT[G>A]TGATGGTGAGCCGTGCGAGGCCCCTCCTGTCCCCCGGGCTCCTCATGGGGACAGTGGCAG-3'
Protein context (NP_001353314.1, residues 606-626): QMALRPGTQI[Val616Met]MVDYEASEPL

ClinVar aggregate classification (germline): Uncertain significance (1 of 4 stars; one submission).

Conditions:
Pityriasis rubra pilaris (PRP). Also called: Pityriasis rubra pilaris--familial type. Identifiers: Orphanet 2897, MedGen C0032027, MONDO:0100017, OMIM 173200, MONDO:0008251.
Psoriasis 2. Identifiers: MedGen C1864497, MONDO:0011269, OMIM 602723.

Allele frequency attached by ClinVar (database versions not stated): ExAC 0.00001; gnomAD 0.00001; gnomAD exomes 0.00001.
gnomAD v4.1: 17 of 1,612,080 alleles (0.0011%); highest among the groups gnomAD compares: South Asian, 0.0033%; no homozygotes.

Submission:

Labcorp Genetics (formerly Invitae), Labcorp
Classification: Uncertain significance for Pityriasis rubra pilaris; Psoriasis 2. Last evaluated: 2026-01-20. Review status: criteria provided, single submitter. Criteria: Invitae Variant Classification Sherloc (09022015). Collection method: clinical testing. Allele origin: germline.
Comment: This sequence change replaces valine, which is neutral and non-polar, with methionine, which is neutral and non-polar, at codon 616 of the CARD14 protein (p.Val616Met). This variant is present in population databases (rs781352237, gnomAD 0.002%). This variant has not been reported in the literature in individuals affected with CARD14-related conditions. ClinVar contains an entry for this variant (Variation ID: 2061090). Invitae Evidence Modeling of protein sequence and biophysical properties (such as structural, functional, and spatial information, amino acid conservation, physicochemical variation, residue mobility, and thermodynamic stability) indicates that this missense variant is not expected to disrupt CARD14 protein function with a negative predictive value of 95%. In summary, the available evidence is currently insufficient to determine the role of this variant in disease. Therefore, it has been classified as a Variant of Uncertain Significance.